The following is an entry in ClinVar:

ClinVar aggregate classification (germline): Pathogenic/Likely pathogenic. Review status: criteria provided, multiple submitters, no conflicts (2 of 4 stars). 3 submissions from 3 submitters: Pathogenic (1); Likely pathogenic (2). Last evaluated 2024-11-27.

Conditions:
Juvenile myelomonocytic leukemia (JMML). Also called: LEUKEMIA, JUVENILE MYELOMONOCYTIC, SOMATIC. Identifiers: Orphanet 86834, MedGen C0349639, MONDO:0011908, OMIM 607785, HP:0012209.
Neurofibromatosis, type 1 (NF1). Also called: Peripheral type neurofibromatosis; NEUROFIBROMATOSIS, TYPE I, SOMATIC; Neurofibromatosis, type I; VON RECKLINGHAUSEN DISEASE. Identifiers: Orphanet 636, MedGen C0027831, MONDO:0018975, OMIM 162200. Disease mechanism: loss of function.

Submissions (3):

Labcorp Genetics (formerly Invitae), Labcorp
Classification: Likely pathogenic for Neurofibromatosis, type 1. Last evaluated: 2024-11-27. Review status: criteria provided, single submitter. Criteria: Invitae Variant Classification Sherloc (09022015). Collection method: clinical testing. Allele origin: germline.
Comment: This sequence change replaces aspartic acid, which is acidic and polar, with glycine, which is neutral and non-polar, at codon 2611 of the NF1 protein (p.Asp2611Gly). RNA analysis indicates that this missense change induces altered splicing and may result in an absent or altered protein product. This variant is not present in population databases (gnomAD no frequency). This missense change has been observed in individual(s) with clinical features of NF1-related conditions (PMID: 23913538, 31776437; internal data). ClinVar contains an entry for this variant (Variation ID: 811226). Invitae Evidence Modeling of protein sequence and biophysical properties (such as structural, functional, and spatial information, amino acid conservation, physicochemical variation, residue mobility, and thermodynamic stability) indicates that this missense variant is expected to disrupt NF1 protein function with a positive predictive value of 95%. Studies have shown that this missense change results in activation of a cryptic splice site, and produces a non-functional protein and/or introduces a premature termination codon (PMID: 32123317). In summary, the currently available evidence indicates that the variant is pathogenic, but additional data are needed to prove that conclusively. Therefore, this variant has been classified as Likely Pathogenic.

Baylor Genetics
Classification: Pathogenic for Juvenile myelomonocytic leukemia. Last evaluated: 2022-07-28. Review status: criteria provided, single submitter. Criteria: ACMG Guidelines, 2015. Collection method: clinical testing. Allele origin: unknown.

ARUP Laboratories, Molecular Genetics and Genomics, ARUP Laboratories
Classification: Likely pathogenic. Last evaluated: 2018-12-13. Review status: criteria provided, single submitter. Criteria: ARUP Molecular Germline Variant Investigation Process. Collection method: clinical testing. Allele origin: germline.
Comment: The NF1 c.7895A>G; p.Asp2632Gly variant (also reported as c.7832A>G for NM_000267.3) is reported in the literature in an individual with neurofibromatosis 1 (Sabbagh 2013). This variant is absent from general population databases (Exome Variant Server, Genome Aggregation Database), indicating it is not a common polymorphism. Sabbagh et al. performed cDNA sequencing of the reversely transcribed mRNA. The c.7895A>G variant resulted in skipping of exon 54, leading to an out of frame protein product (Sabbagh 2013). Based on the Sabbagh 2013 published results, this variant is predicted to result in a truncated protein or mRNA subject to nonsense-mediated decay. Based on available information, this variant is considered likely pathogenic. REFERENCES Sabbagh A et al. NF1 molecular characterization and neurofibromatosis type I genotype-phenotype correlation: the French experience. Hum Mutat. 2013 Nov;34(11):1510-8.

Literature cited by the submitters: PubMed 23913538 (cited by Labcorp Genetics (formerly Invitae), Labcorp); PubMed 31776437 (cited by Labcorp Genetics (formerly Invitae), Labcorp); PubMed 32123317 (cited by Labcorp Genetics (formerly Invitae), Labcorp).

NM_001042492.3(NF1):c.7895A>G (p.Asp2632Gly)

Gene: NF1 (neurofibromin 1; plus strand). Cytogenetic location: 17q11.2.
Variant type: single nucleotide variant.
Coding change: c.7895A>G on transcript NM_001042492.3 (MANE Select); coding-DNA position 7895, A replaced by G.
Protein change: p.Asp2632Gly; replaces aspartic acid 2632 with glycine.
Molecular consequence: missense variant.
Genome position (GRCh38, 1-based): chr17:31,357,294, A>G. VCF-style: chr17-31357294-A-G. GRCh37 (hg19) VCF-style: chr17-29684312-A-G.
Other names: c.7832A>G, p.Asp2611Gly (NM_000267.4); short protein forms D2611G, D2632G.
Identifiers: ClinVar variation 811226 (VCV000811226.11), dbSNP rs1597866846, ClinGen allele CA399203406.